The following is an entry in ClinVar:

NM_006516.4(SLC2A1):c.130T>C (p.Tyr44His)

Gene: SLC2A1 (solute carrier family 2 member 1; minus strand). Cytogenetic location: 1p34.2.
Variant type: single nucleotide variant.
Coding change: c.130T>C on transcript NM_006516.4 (MANE Select); coding-DNA position 130, T replaced by C.
Protein change: p.Tyr44His; replaces tyrosine 44 with histidine.
Molecular consequence: missense variant.
Genome position (GRCh38, 1-based): chr1:42,931,191, A>G on the plus strand (T>C on the coding strand, the complement: SLC2A1 is on the minus strand). VCF-style: chr1-42931191-A-G. GRCh37 (hg19) VCF-style: chr1-43396862-A-G.
Other names: short protein forms Y44H.
Identifiers: ClinVar variation 1004221 (VCV001004221.9), dbSNP rs375881934, ClinGen allele CA803607.

ClinVar aggregate classification (germline): Uncertain significance (1 of 4 stars; one submission).

Conditions:
GLUT1 deficiency syndrome 1, autosomal recessive. Identifiers: MedGen C3149117.

Allele frequency attached by ClinVar (database versions not stated): gnomAD exomes 0.00001; gnomAD 0.00002; ESP Exome Variant Server 0.00015; TOPMed 0.00002; ExAC 0.00003.
gnomAD v4.1: 3 of 1,613,838 alleles (0.00019%); highest among the groups gnomAD compares: African/African-American, 0.004%; no homozygotes.

Submission:

Labcorp Genetics (formerly Invitae), Labcorp
Classification: Uncertain significance for GLUT1 deficiency syndrome 1, autosomal recessive. Last evaluated: 2026-01-05. Review status: criteria provided, single submitter. Criteria: Invitae Variant Classification Sherloc (09022015). Collection method: clinical testing. Allele origin: germline.
Comment: This sequence change replaces tyrosine, which is neutral and polar, with histidine, which is basic and polar, at codon 44 of the SLC2A1 protein (p.Tyr44His). This variant is present in population databases (rs375881934, gnomAD 0.01%). This variant has not been reported in the literature in individuals affected with SLC2A1-related conditions. ClinVar contains an entry for this variant (Variation ID: 1004221). Invitae Evidence Modeling of protein sequence and biophysical properties (such as structural, functional, and spatial information, amino acid conservation, physicochemical variation, residue mobility, and thermodynamic stability) indicates that this missense variant is expected to disrupt SLC2A1 protein function with a positive predictive value of 95%. Experimental studies have shown that this missense change does not substantially affect SLC2A1 function (PMID: 30588498). In summary, the available evidence is currently insufficient to determine the role of this variant in disease. Therefore, it has been classified as a Variant of Uncertain Significance.

Literature cited by the submitters: PubMed 30588498.